The following is an entry in ClinVar:

ClinVar aggregate classification (germline): Likely benign (1 of 4 stars; one submission).

gnomAD v4.1: 51 of 1,550,540 alleles (0.0033%); highest among the groups gnomAD compares: Admixed American, 0.0059%; no homozygotes.

Submission:

CeGaT Center for Human Genetics Tuebingen
Classification: Likely benign. Last evaluated: 2025-01-01. Review status: criteria provided, single submitter. Criteria: CeGaT Center For Human Genetics Tuebingen Variant Classification Criteria Version 2. Collection method: clinical testing. Allele origin: germline. Affected: yes. Observed: 1 variant allele.
Comment: INTS11: BP4, BP7

NM_017871.6(INTS11):c.1542C>T (p.Arg514=)

Gene: INTS11 (integrator complex subunit 11; minus strand). Cytogenetic location: 1p36.33.
Variant type: single nucleotide variant.
Coding change: c.1542C>T on transcript NM_017871.6 (MANE Select); coding-DNA position 1542, C replaced by T.
Protein change: p.Arg514=; no amino-acid change (arginine 514 retained).
Molecular consequence: synonymous variant.
Genome position (GRCh38, 1-based): chr1:1,312,291, G>A on the plus strand (C>T on the coding strand, the complement: INTS11 is on the minus strand). VCF-style: chr1-1312291-G-A. GRCh37 (hg19) VCF-style: chr1-1247671-G-A.
Other names: c.1560C>T, p.Arg520= (NM_001256456.2); c.1455C>T, p.Arg485= (NM_001256460.2); c.1248C>T, p.Arg416= (NM_001256462.2); c.1239C>T, p.Arg413= (NM_001256463.2).
Identifiers: ClinVar variation 3771379 (VCV003771379.13).